The following is an entry in ClinVar:

NM_004996.4(ABCC1):c.1898G>A (p.Arg633Gln)

Gene: ABCC1 (ATP binding cassette subfamily C member 1 (ABCC1 blood group); plus strand). Cytogenetic location: 16p13.11.
Variant type: single nucleotide variant.
Coding change: c.1898G>A on transcript NM_004996.4 (MANE Select); coding-DNA position 1898, G replaced by A.
Protein change: p.Arg633Gln; replaces arginine 633 with glutamine.
Molecular consequence: missense variant.
Genome position (GRCh38, 1-based): chr16:16,071,715, G>A. VCF-style: chr16-16071715-G-A. GRCh37 (hg19) VCF-style: chr16-16165572-G-A.
Other names: c.1898G>A, p.Arg633Gln (NM_019862.3); short protein forms R633Q.
Identifiers: ClinVar variation 3041981 (VCV003041981.2), dbSNP rs112282109, ClinGen allele CA7924069.

ClinVar aggregate classification (germline): Likely benign (0 of 4 stars; one submission).

Conditions:
ABCC1-related disorder. Also called: ABCC1-related condition.

Allele frequency attached by ClinVar (database versions not stated): 1000 Genomes Project 0.00080; 1000 Genomes Project 30x 0.00109; TOPMed 0.00177; gnomAD 0.00184; ExAC 0.00202; ESP Exome Variant Server 0.00258.
gnomAD v4.1: 4,759 of 1,613,638 alleles (0.29%); highest among the groups gnomAD compares: Non-Finnish European, 0.37%; 9 homozygotes.

Submission:

PreventionGenetics, part of Exact Sciences
Classification: Likely benign for ABCC1-related condition. Last evaluated: 2020-10-19. Review status: no assertion criteria provided. Collection method: clinical testing. Allele origin: germline.
Comment: This variant is classified as likely benign based on ACMG/AMP sequence variant interpretation guidelines (Richards et al. 2015 PMID: 25741868, with internal and published modifications).